The following is an entry in ClinVar:

NM_000101.4(CYBA):c.17G>A (p.Trp6Ter)

Gene: CYBA (cytochrome b-245 alpha chain; minus strand). Cytogenetic location: 16q24.2.
Variant type: single nucleotide variant.
Coding change: c.17G>A on transcript NM_000101.4 (MANE Select); coding-DNA position 17, G replaced by A.
Protein change: p.Trp6Ter; replaces tryptophan 6 with a stop codon.
Molecular consequence: nonsense.
Genome position (GRCh38, 1-based): chr16:88,650,997, C>T on the plus strand (G>A on the coding strand, the complement: CYBA is on the minus strand). VCF-style: chr16-88650997-C-T. GRCh37 (hg19) VCF-style: chr16-88717405-C-T.
Other names: short protein forms W6*.
Identifiers: ClinVar variation 1458496 (VCV001458496.6), dbSNP rs2142883490, ClinGen allele CA397067843.

ClinVar aggregate classification (germline): Pathogenic (1 of 4 stars; one submission).

Conditions:
Granulomatous disease, chronic, autosomal recessive, cytochrome b-negative. Also called: GRANULOMATOUS DISEASE, CHRONIC, AUTOSOMAL RECESSIVE, 4; Chronic granulomatous disease, autosomal, due to deficiency of CYBA; CGD DUE TO DEFICIENCY OF THE ALPHA SUBUNIT OF CYTOCHROME b; CGD, AUTOSOMAL RECESSIVE CYTOCHROME b-NEGATIVE; CYBA DEFICIENCY. Identifiers: Orphanet 379, MedGen C1856255, MONDO:0009308, OMIM 233690.

Allele frequency attached by ClinVar (database versions not stated): gnomAD exomes below 0.00001.
gnomAD v4.1: 1 of 1,597,986 alleles (0.000063%); highest among the groups gnomAD compares: Non-Finnish European, 0.000085%; no homozygotes.

Submission:

Labcorp Genetics (formerly Invitae), Labcorp
Classification: Pathogenic for Granulomatous disease, chronic, autosomal recessive, cytochrome b-negative. Last evaluated: 2024-01-25. Review status: criteria provided, single submitter. Criteria: Invitae Variant Classification Sherloc (09022015). Collection method: clinical testing. Allele origin: germline.
Comment: This sequence change creates a premature translational stop signal (p.Trp6*) in the CYBA gene. It is expected to result in an absent or disrupted protein product. Loss-of-function variants in CYBA are known to be pathogenic (PMID: 10910929, 20167518, 22876374). This variant is not present in population databases (gnomAD no frequency). This variant has not been reported in the literature in individuals affected with CYBA-related conditions. ClinVar contains an entry for this variant (Variation ID: 1458496). For these reasons, this variant has been classified as Pathogenic.

Literature cited by the submitters: PubMed 10910929; PubMed 20167518; PubMed 22876374.